The following is an entry in ClinVar:

NM_001365276.2(TNXB):c.3733A>T (p.Thr1245Ser)

Gene: TNXB (tenascin XB; minus strand). Cytogenetic location: 6p21.33.
Variant type: single nucleotide variant.
Coding change: c.3733A>T on transcript NM_001365276.2 (MANE Select); coding-DNA position 3733, A replaced by T.
Protein change: p.Thr1245Ser; replaces threonine 1245 with serine.
Molecular consequence: missense variant.
Genome position (GRCh38, 1-based): chr6:32,082,039, T>A on the plus strand (A>T on the coding strand, the complement: TNXB is on the minus strand). VCF-style: chr6-32082039-T-A. GRCh37 (hg19) VCF-style: chr6-32049816-T-A.
Other names: c.4474A>T, p.Thr1492Ser (NM_001428335.1); c.3733A>T, p.Thr1245Ser (NM_019105.8); short protein forms T1245S, T1492S.
Identifiers: ClinVar variation 3459798 (VCV003459798.1).

ClinVar aggregate classification (germline): Uncertain significance (1 of 4 stars; one submission).

Conditions:
Cardiovascular phenotype. Identifiers: MedGen CN230736.

Submission:

Ambry Genetics
Classification: Uncertain significance for Cardiovascular phenotype. Last evaluated: 2024-09-17. Review status: criteria provided, single submitter. Criteria: Ambry Variant Classification Scheme 2023. Collection method: clinical testing. Allele origin: germline.
Comment: The p.T1245S variant (also known as c.3733A>T), located in coding exon 8 of the TNXB gene, results from an A to T substitution at nucleotide position 3733. The threonine at codon 1245 is replaced by serine, an amino acid with similar properties. This amino acid position is conserved. In addition, this alteration is predicted to be tolerated by in silico analysis. Based on the available evidence, the clinical significance of this variant remains unclear.